The following is an entry in ClinVar:

NM_003001.5(SDHC):c.382A>G (p.Thr128Ala)

Gene: SDHC (succinate dehydrogenase complex subunit C; plus strand). Cytogenetic location: 1q23.3.
Variant type: single nucleotide variant.
Coding change: c.382A>G on transcript NM_003001.5 (MANE Select); coding-DNA position 382, A replaced by G.
Protein change: p.Thr128Ala; replaces threonine 128 with alanine.
Molecular consequence: missense variant. On other transcripts: non-coding transcript variant (1), intron variant (3).
Genome position (GRCh38, 1-based): chr1:161,356,817, A>G. VCF-style: chr1-161356817-A-G. GRCh37 (hg19) VCF-style: chr1-161326607-A-G.
Other names: c.242-5512A>G (NM_001035511.3); c.140-5512A>G (NM_001278172.3); c.185-5512A>G (NM_001407121.1); c.280A>G, p.Thr94Ala (NM_001035512.3); c.223A>G, p.Thr75Ala (NM_001035513.3); c.502A>G, p.Thr168Ala (NM_001407115.1); c.325A>G, p.Thr109Ala (NM_001407116.1); c.319A>G, p.Thr107Ala (NM_001407117.1); and 2 more; short protein forms T91A, T94A, T107A, T168A, T92A, T75A, T109A, T128A.
Identifiers: ClinVar variation 5029333 (VCV005029333.1).

ClinVar aggregate classification (germline): Uncertain significance (1 of 4 stars; one submission).

Conditions:
Hereditary cancer-predisposing syndrome. Also called: Neoplastic Syndromes, Hereditary; Tumor predisposition; Hereditary neoplastic syndrome; Hereditary Cancer Syndrome. Identifiers: Orphanet 140162, MedGen C0027672, MeSH D009386, MONDO:0015356.

Submission:

Ambry Genetics
Classification: Uncertain significance for Hereditary cancer-predisposing syndrome. Last evaluated: 2026-07-07. Review status: criteria provided, single submitter. Criteria: Ambry Variant Classification Scheme 2023. Collection method: clinical testing. Allele origin: germline.
Comment: The p.T128A variant (also known as c.382A>G), located in coding exon 5 of the SDHC gene, results from an A to G substitution at nucleotide position 382. The threonine at codon 128 is replaced by alanine, an amino acid with similar properties. This amino acid position is conserved. In addition, the in silico prediction for this alteration is inconclusive. Based on the available evidence, the clinical significance of this variant remains unclear.